The following is an entry in ClinVar:

NM_024740.2(ALG9):c.1441C>T (p.Arg481Ter)

Gene: ALG9 (ALG9 alpha-1,2-mannosyltransferase; minus strand). Cytogenetic location: 11q23.1.
Variant type: single nucleotide variant.
Coding change: c.1441C>T on transcript NM_024740.2 (MANE Select); coding-DNA position 1441, C replaced by T.
Protein change: p.Arg481Ter; replaces arginine 481 with a stop codon.
Molecular consequence: nonsense. On other transcripts: non-coding transcript variant (1).
Genome position (GRCh38, 1-based): chr11:111,837,499, G>A on the plus strand (C>T on the coding strand, the complement: ALG9 is on the minus strand). VCF-style: chr11-111837499-G-A. GRCh37 (hg19) VCF-style: chr11-111708222-G-A.
Other names: c.1420C>T, p.Arg474Ter (NM_001077690.1, NM_001352417.1); c.928C>T, p.Arg310Ter (NM_001077691.2, NM_001352413.1, NM_001352414.2 and 1 more transcripts); c.907C>T, p.Arg303Ter (NM_001077692.2, NM_001352409.1, NM_001352410.1 and 6 more transcripts); c.1297C>T, p.Arg433Ter (NM_001352418.1); c.832C>T, p.Arg278Ter (NM_001352422.2); c.784C>T, p.Arg262Ter (NM_001352423.2); short protein forms R310*, R481*, R278*, R262*, R303*, R433*, R474*.
Identifiers: ClinVar variation 3656725 (VCV003656725.2).

ClinVar aggregate classification (germline): Pathogenic (1 of 4 stars; one submission).

Conditions:
ALG9 congenital disorder of glycosylation (CDG1L). Also called: CDG Il; ALG9-CDG; CONGENITAL DISORDER OF GLYCOSYLATION, TYPE Il. Identifiers: Orphanet 79328, MedGen C2931006, MONDO:0012117, OMIM 608776.

gnomAD v4.1: 2 of 1,614,152 alleles (0.00012%); highest among the groups gnomAD compares: Non-Finnish European, 0.00017%; no homozygotes.

Submission:

Labcorp Genetics (formerly Invitae), Labcorp
Classification: Pathogenic for ALG9 congenital disorder of glycosylation. Last evaluated: 2024-08-31. Review status: criteria provided, single submitter. Criteria: Invitae Variant Classification Sherloc (09022015). Collection method: clinical testing. Allele origin: germline.
Comment: This sequence change creates a premature translational stop signal (p.Arg481*) in the ALG9 gene. It is expected to result in an absent or disrupted protein product. Loss-of-function variants in ALG9 are known to be pathogenic (PMID: 25966638). This variant is not present in population databases (gnomAD no frequency). This variant has not been reported in the literature in individuals affected with ALG9-related conditions. For these reasons, this variant has been classified as Pathogenic.

Literature cited by the submitters: PubMed 25966638.